The following is an entry in ClinVar:

NM_001114753.3(ENG):c.1780G>A (p.Gly594Ser)

Gene: ENG (endoglin; minus strand). Cytogenetic location: 9q34.11.
Variant type: single nucleotide variant.
Coding change: c.1780G>A on transcript NM_001114753.3 (MANE Select); coding-DNA position 1780, G replaced by A.
Protein change: p.Gly594Ser; replaces glycine 594 with serine.
Molecular consequence: missense variant.
Genome position (GRCh38, 1-based): chr9:127,816,015, C>T on the plus strand (G>A on the coding strand, the complement: ENG is on the minus strand). VCF-style: chr9-127816015-C-T. GRCh37 (hg19) VCF-style: chr9-130578294-C-T.
Other names: c.1780G>A (NM_000118.2, NM_001114753.1); c.1780G>A, p.Gly594Ser (NM_000118.4); c.1234G>A, p.Gly412Ser (NM_001278138.2); short protein forms G594S, G412S.
Identifiers: ClinVar variation 407114 (VCV000407114.15), dbSNP rs1060501409, ClinGen allele CA16612526.
Genomic context (GRCh38, chr9:127,816,015, plus strand): 5'-AGATGTACCAGAGTGCAGCAGTGAGCAGGGCCCCGATGAGGAAGGCACCAAAGGTGATGC[C>T]CAGCACGGCGGGCAGGACGAGGCCTTTGCTTGTGCAACCTAGAGAGGGCCGACGCCATCA-3'
Protein context (NP_001108225.1, residues 584-604): SKGLVLPAVL[Gly594Ser]ITFGAFLIGA

ClinVar aggregate classification (germline): Uncertain significance. Review status: criteria provided, multiple submitters, no conflicts (2 of 4 stars). 4 submissions from 4 submitters: Uncertain significance (4). Last evaluated 2026-05-03.

Conditions:
Hereditary hemorrhagic telangiectasia (HHT). Also called: ORW DISEASE; Osler Weber Rendu syndrome; OSLER-RENDU-WEBER DISEASE; Osler hemorrhagic telangiectasia syndrome. Identifiers: Orphanet 774, MedGen C0039445, MONDO:0019180. Disease mechanism: loss of function.
Cardiovascular phenotype. Identifiers: MedGen CN230736.
Telangiectasia, hereditary hemorrhagic, type 1 (HHT1). Also called: Osler Weber Rendu syndrome type 1; ENG-Related Hereditary Hemorrhagic Telangiectasia. Identifiers: Orphanet 774, MedGen C4551861, MONDO:0008535, OMIM 187300. Disease mechanism: loss of function.

Allele frequency attached by ClinVar (database versions not stated): gnomAD exomes below 0.00001 and 0.00001; gnomAD 0.00001.
gnomAD v4.1: 6 of 1,610,954 alleles (0.00037%); highest among the groups gnomAD compares: East Asian, 0.0089%; no homozygotes.

Submissions (4):

Ambry Genetics
Classification: Uncertain significance for Cardiovascular phenotype. Last evaluated: 2026-05-03. Review status: criteria provided, single submitter. Criteria: Ambry Variant Classification Scheme 2023. Collection method: clinical testing. Allele origin: germline.
Comment: The p.G594S variant (also known as c.1780G>A), located in coding exon 14 of the ENG gene, results from a G to A substitution at nucleotide position 1780. The glycine at codon 594 is replaced by serine, an amino acid with similar properties. This amino acid position is conserved. In addition, this alteration is predicted to be deleterious by in silico analysis. Based on the available evidence, the clinical significance of this variant remains unclear.

Labcorp Genetics (formerly Invitae), Labcorp
Classification: Uncertain significance for Hereditary hemorrhagic telangiectasia. Last evaluated: 2025-07-08. Review status: criteria provided, single submitter. Criteria: Invitae Variant Classification Sherloc (09022015). Collection method: clinical testing. Allele origin: germline.
Comment: This sequence change replaces glycine, which is neutral and non-polar, with serine, which is neutral and polar, at codon 594 of the ENG protein (p.Gly594Ser). The frequency data for this variant in the population databases is considered unreliable, as metrics indicate poor data quality at this position in the gnomAD database. This variant has not been reported in the literature in individuals affected with ENG-related conditions. ClinVar contains an entry for this variant (Variation ID: 407114). Invitae Evidence Modeling of protein sequence and biophysical properties (such as structural, functional, and spatial information, amino acid conservation, physicochemical variation, residue mobility, and thermodynamic stability) indicates that this missense variant is expected to disrupt ENG protein function with a positive predictive value of 80%. In summary, the available evidence is currently insufficient to determine the role of this variant in disease. Therefore, it has been classified as a Variant of Uncertain Significance.

GeneDx
Classification: Uncertain significance. Last evaluated: 2025-01-29. Review status: criteria provided, single submitter. Criteria: GeneDx Variant Classification Process June 2021. Collection method: clinical testing. Allele origin: germline. Affected: yes.
Comment: Not observed at significant frequency in large population cohorts (gnomAD); In silico analysis supports that this missense variant has a deleterious effect on protein structure/function; Has not been previously published as pathogenic or benign to our knowledge

Illumina Laboratory Services, Illumina
Classification: Uncertain significance for Telangiectasia, hereditary hemorrhagic, type 1. Last evaluated: 2018-01-13. Review status: criteria provided, single submitter. Criteria: ICSL Variant Classification Criteria 13 December 2019. Collection method: clinical testing. Allele origin: germline.